The following is an entry in ClinVar:

NM_006267.5(RANBP2):c.560A>G (p.His187Arg)

Gene: RANBP2 (RAN binding protein 2; plus strand). Cytogenetic location: 2q13.
Variant type: single nucleotide variant.
Coding change: c.560A>G on transcript NM_006267.5 (MANE Select); coding-DNA position 560, A replaced by G.
Protein change: p.His187Arg; replaces histidine 187 with arginine.
Molecular consequence: missense variant.
Genome position (GRCh38, 1-based): chr2:108,735,686, A>G. VCF-style: chr2-108735686-A-G. GRCh37 (hg19) VCF-style: chr2-109352142-A-G.
Other names: short protein forms H187R.
Identifiers: ClinVar variation 382598 (VCV000382598.8), dbSNP rs2693122, ClinGen allele CA1822056.

ClinVar aggregate classification (germline): Conflicting classifications of pathogenicity. Review status: criteria provided, conflicting classifications (1 of 4 stars). 3 submissions from 3 submitters: Uncertain significance (2); Benign (1). Last evaluated 2025-02-16.

Conditions:
Familial acute necrotizing encephalopathy (IIAE3). Also called: ENCEPHALOPATHY, ACUTE, INFECTION-INDUCED, SUSCEPTIBILITY TO, 3; Susceptibility to Acute Necrotizing Encephalopathy 1. Identifiers: Orphanet 88619, MedGen C2675556, MONDO:0011953, OMIM 608033.

Allele frequency attached by ClinVar (database versions not stated): ExAC 0.00004; gnomAD exomes 0.00004 and 0.00011; TOPMed 0.00012; gnomAD 0.00017 and 0.00018.
gnomAD v4.1: 177 of 1,597,436 alleles (0.011%); highest among the groups gnomAD compares: Middle Eastern, 0.022%; no homozygotes.

Submissions (3):

Laboratory of Genetics, Children's Clinical University Hospital Latvia
Classification: Benign. Last evaluated: 2025-02-16. Review status: criteria provided, single submitter. Criteria: ACMG Guidelines, 2015. Collection method: clinical testing. Allele origin: germline. Affected: yes.

Labcorp Genetics (formerly Invitae), Labcorp
Classification: Uncertain significance for Familial acute necrotizing encephalopathy. Last evaluated: 2022-07-06. Review status: criteria provided, single submitter. Criteria: Invitae Variant Classification Sherloc (09022015). Collection method: clinical testing. Allele origin: germline.
Comment: This sequence change replaces histidine, which is basic and polar, with arginine, which is basic and polar, at codon 187 of the RANBP2 protein (p.His187Arg). The frequency data for this variant in the population databases is considered unreliable, as metrics indicate poor data quality at this position in the gnomAD database. This variant has not been reported in the literature in individuals affected with RANBP2-related conditions. ClinVar contains an entry for this variant (Variation ID: 382598). Algorithms developed to predict the effect of missense changes on protein structure and function are either unavailable or do not agree on the potential impact of this missense change (SIFT: "Deleterious"; PolyPhen-2: "Benign"; Align-GVGD: "Class C25"). In summary, the available evidence is currently insufficient to determine the role of this variant in disease. Therefore, it has been classified as a Variant of Uncertain Significance.

GeneDx
Classification: Uncertain significance. Last evaluated: 2018-02-15. Review status: criteria provided, single submitter. Criteria: GeneDx Variant Classification (06012015). Collection method: clinical testing. Allele origin: germline. Affected: yes.
Comment: The H187R variant has not been published as a pathogenic variant, nor has it been reported as a benign variant to our knowledge. The H187R variant was not observed in approximately 6500 individuals of European and African American ancestry in the NHLBI Exome Sequencing Project, indicating it is not a common benign variant in these populations. The H187R variant is a conservative amino acid substitution, which is not likely to impact secondary protein structure as these residues share similar properties. This substitution occurs at a position that is conserved across species. In silico analysis predicts this variant is probably damaging to the protein structure/function. In summary, based on the currently available information, it is unclear whether this variant is a pathogenic variant or a rare benign variant.